The following is an entry in ClinVar:

ClinVar aggregate classification (germline): Uncertain significance. Review status: criteria provided, multiple submitters, no conflicts (2 of 4 stars). 2 submissions from 2 submitters: Uncertain significance (2). Last evaluated 2024-01-22.

Allele frequency attached by ClinVar (database versions not stated): gnomAD 0.00001; TOPMed 0.00001; ExAC 0.00002; gnomAD exomes 0.00002.
gnomAD v4.1: 31 of 1,613,796 alleles (0.0019%); highest among the groups gnomAD compares: South Asian, 0.018%; no homozygotes.

Submissions (2):

GeneDx
Classification: Uncertain significance. Last evaluated: 2024-01-22. Review status: criteria provided, single submitter. Criteria: GeneDx Variant Classification Process June 2021. Collection method: clinical testing. Allele origin: germline. Affected: yes.
Comment: In silico analysis supports that this missense variant has a deleterious effect on protein structure/function; Has not been previously published as pathogenic or benign to our knowledge; Variants in candidate genes are classified as variants of uncertain significance in accordance with ACMG guidelines (PMID: 25741868)

Labcorp Genetics (formerly Invitae), Labcorp
Classification: Uncertain significance. Last evaluated: 2022-09-06. Review status: criteria provided, single submitter. Criteria: Invitae Variant Classification Sherloc (09022015). Collection method: clinical testing. Allele origin: germline.
Comment: This sequence change replaces proline, which is neutral and non-polar, with leucine, which is neutral and non-polar, at codon 351 of the FAM65B protein (p.Pro351Leu). This variant is present in population databases (rs758778623, gnomAD 0.02%). This variant has not been reported in the literature in individuals affected with FAM65B-related conditions. Algorithms developed to predict the effect of missense changes on protein structure and function are either unavailable or do not agree on the potential impact of this missense change (SIFT: "Tolerated"; PolyPhen-2: "Probably Damaging"; Align-GVGD: "Class C0"). In summary, the available evidence is currently insufficient to determine the role of this variant in disease. Therefore, it has been classified as a Variant of Uncertain Significance.

NM_001286445.3(RIPOR2):c.1139C>T (p.Pro380Leu)

Gene: RIPOR2 (RHO family interacting cell polarization regulator 2; minus strand). Cytogenetic location: 6p22.3.
Variant type: single nucleotide variant.
Coding change: c.1139C>T on transcript NM_001286445.3 (MANE Select); coding-DNA position 1139, C replaced by T.
Protein change: p.Pro380Leu; replaces proline 380 with leucine.
Molecular consequence: missense variant.
Genome position (GRCh38, 1-based): chr6:24,848,050, G>A on the plus strand (C>T on the coding strand, the complement: RIPOR2 is on the minus strand). VCF-style: chr6-24848050-G-A. GRCh37 (hg19) VCF-style: chr6-24848278-G-A.
Other names: c.1154C>T, p.Pro385Leu (NM_001286446.3); c.1052C>T, p.Pro351Leu (NM_001286447.2, NM_001346031.2, NM_001346032.2 and 2 more transcripts); c.1052C>T (NM_014722.3); short protein forms P385L, P351L, P380L.
Identifiers: ClinVar variation 2184213 (VCV002184213.5), dbSNP rs758778623, ClinGen allele CA3659323.